The following is an entry in ClinVar:

NM_000433.4(NCF2):c.174+8G>C

Gene: NCF2 (neutrophil cytosolic factor 2; minus strand). Cytogenetic location: 1q25.3.
Variant type: single nucleotide variant.
Coding change: c.174+8G>C on transcript NM_000433.4 (MANE Select); 8 bases into the intron after coding-DNA position 174, G replaced by C.
Molecular consequence: intron variant.
Genome position (GRCh38, 1-based): chr1:183,590,148, C>G on the plus strand (G>C on the coding strand, the complement: NCF2 is on the minus strand). VCF-style: chr1-183590148-C-G. GRCh37 (hg19) VCF-style: chr1-183559283-C-G.
Other names: c.174+8G>C (NM_001127651.3, NM_001190789.2, NM_001190794.2).
Identifiers: ClinVar variation 294086 (VCV000294086.20), dbSNP rs34009795, ClinGen allele CA1285052.
Genomic context (GRCh38, chr1:183,590,148, plus strand): 5'-TGCAATGGGGTTGAGAATCATAATAACAAATGCACAGAGGAGGCCCGGAAAGAGGCACCT[C>G]CACTCACCTTCTCTGCTTCAGTCATGTTCTTCAGGATAGTGTACATGCAGCCAATGTTGA-3'

ClinVar aggregate classification (germline): Benign/Likely benign. Review status: criteria provided, multiple submitters, no conflicts (2 of 4 stars). 5 submissions from 5 submitters: Benign (3); Likely benign (2). Last evaluated 2026-03-31.

Conditions:
Granulomatous disease, chronic, autosomal recessive, cytochrome b-positive, type 2. Also called: GRANULOMATOUS DISEASE, CHRONIC, DUE TO NCF2 DEFICIENCY; GRANULOMATOUS DISEASE, CHRONIC, AUTOSOMAL RECESSIVE, 2; Chronic granulomatous disease due to deficiency of NCF-2; Chronic Granulomatous Disease, Autosomal Recessive, Cytochrome b-Positive, Type II; CGD, AUTOSOMAL RECESSIVE CYTOCHROME b-POSITIVE, TYPE II. Identifiers: Orphanet 379, MedGen C1856245, MONDO:0009310, OMIM 233710.

Allele frequency attached by ClinVar (database versions not stated): gnomAD exomes 0.00152; ExAC 0.00179; gnomAD 0.00520 and 0.00565; ESP Exome Variant Server 0.00531; TOPMed 0.00559; 1000 Genomes Project 30x 0.00593; 1000 Genomes Project 0.00599.
gnomAD v4.1: 1,840 of 1,614,160 alleles (0.11%); highest among the groups gnomAD compares: African/African-American, 1.8%; 12 homozygotes.

Submissions (5):

Women's Health and Genetics/Laboratory Corporation of America, LabCorp
Classification: Benign. Last evaluated: 2026-03-31. Review status: criteria provided, single submitter. Criteria: LabCorp Variant Classification Summary - May 2015. Collection method: clinical testing. Allele origin: germline.

Labcorp Genetics (formerly Invitae), Labcorp
Classification: Benign for Granulomatous disease, chronic, autosomal recessive, cytochrome b-positive, type 2. Last evaluated: 2026-02-04. Review status: criteria provided, single submitter. Criteria: Invitae Variant Classification Sherloc (09022015). Collection method: clinical testing. Allele origin: germline.

Blueprint Genetics
Classification: Likely benign. Last evaluated: 2024-11-22. Review status: criteria provided, single submitter. Criteria: ACMG Guidelines, 2015. Collection method: clinical testing. Allele origin: germline.

GeneDx
Classification: Likely benign. Last evaluated: 2020-01-06. Review status: criteria provided, single submitter. Criteria: GeneDx Variant Classification Process June 2021. Collection method: clinical testing. Allele origin: germline. Affected: yes.

Illumina Laboratory Services, Illumina
Classification: Benign for Granulomatous disease, chronic, autosomal recessive, cytochrome b-positive, type 2. Last evaluated: 2018-01-12. Review status: criteria provided, single submitter. Criteria: ICSL Variant Classification Criteria 13 December 2019. Collection method: clinical testing. Allele origin: germline.
Comment: This variant was observed in the ICSL laboratory as part of a predisposition screen in an ostensibly healthy population. It had not been previously curated by ICSL or reported in the Human Gene Mutation Database (HGMD: prior to June 1st, 2018), and was therefore a candidate for classification through an automated scoring system. Utilizing variant allele frequency, disease prevalence and penetrance estimates, and inheritance mode, an automated score was calculated to assess if this variant is too frequent to cause the disease. Based on the score and internal cut-off values, a variant classified as benign is not then subjected to further curation. The score for this variant resulted in a classification of benign for this disease.